The following is an entry in ClinVar:

NM_025099.6(CTC1):c.1265C>T (p.Ala422Val)

Gene: CTC1 (CST telomere replication complex component 1; minus strand). Cytogenetic location: 17p13.1.
Variant type: single nucleotide variant.
Coding change: c.1265C>T on transcript NM_025099.6 (MANE Select); coding-DNA position 1265, C replaced by T.
Protein change: p.Ala422Val; replaces alanine 422 with valine.
Molecular consequence: missense variant. On other transcripts: non-coding transcript variant (1).
Genome position (GRCh38, 1-based): chr17:8,235,227, G>A on the plus strand (C>T on the coding strand, the complement: CTC1 is on the minus strand). VCF-style: chr17-8235227-G-A. GRCh37 (hg19) VCF-style: chr17-8138545-G-A.
Other names: short protein forms A422V.
Identifiers: ClinVar variation 954326 (VCV000954326.10), dbSNP rs532962550, ClinGen allele CA8372407.
Genomic context (GRCh38, chr17:8,235,227, plus strand): 5'-TGAGCCCCAGGCTTCTGACGAGAGAAGCTTTGAAGCAGAACGGCGCCACGGAGGCAGGGG[G>A]CGAGCACTGGCCTTCTTGTCCCCCCTCCCACTGACTGGAGCAGGTGAACATCCTGGAGCT-3'
Protein context (NP_079375.3, residues 412-432): VGGGTRRPVL[Ala422Val]PCLRGAVLLQ

ClinVar aggregate classification (germline): Uncertain significance. Review status: criteria provided, multiple submitters, no conflicts (2 of 4 stars). 2 submissions from 2 submitters: Uncertain significance (2). Last evaluated 2024-03-08.

Conditions:
Inborn genetic diseases. Identifiers: MedGen C0950123, MeSH D030342.
Dyskeratosis congenita. Identifiers: Orphanet 1775, MedGen C0265965, MONDO:0015780.

Allele frequency attached by ClinVar (database versions not stated): gnomAD exomes 0.00002; ExAC 0.00003; gnomAD 0.00003; TOPMed 0.00004; 1000 Genomes Project 30x 0.00016; 1000 Genomes Project 0.00020.
gnomAD v4.1: 18 of 1,614,144 alleles (0.0011%); highest among the groups gnomAD compares: South Asian, 0.011%; no homozygotes.

Submissions (2):

Ambry Genetics
Classification: Uncertain significance for Inborn genetic diseases. Last evaluated: 2024-03-08. Review status: criteria provided, single submitter. Criteria: Ambry Variant Classification Scheme 2023. Collection method: clinical testing. Allele origin: germline.

Labcorp Genetics (formerly Invitae), Labcorp
Classification: Uncertain significance for Dyskeratosis congenita. Last evaluated: 2019-10-02. Review status: criteria provided, single submitter. Criteria: Invitae Variant Classification Sherloc (09022015). Collection method: clinical testing. Allele origin: germline.
Comment: Algorithms developed to predict the effect of missense changes on protein structure and function do not agree on the potential impact of this missense change (SIFT: "Deleterious"; PolyPhen-2: "Probably Damaging"; Align-GVGD: "Class C0"). In summary, the available evidence is currently insufficient to determine the role of this variant in disease. Therefore, it has been classified as a Variant of Uncertain Significance. This variant has not been reported in the literature in individuals with CTC1-related disease. This variant is present in population databases (rs532962550, ExAC 0.02%). This sequence change replaces alanine with valine at codon 422 of the CTC1 protein (p.Ala422Val). The alanine residue is moderately conserved and there is a small physicochemical difference between alanine and valine.